The following is an entry in ClinVar:

NM_004369.4(COL6A3):c.6293G>T (p.Gly2098Val)

Genes: COL6A3 (collagen type VI alpha 3 chain; minus strand), LOC122889011 (Sharpr-MPRA regulatory region 1020; plus strand). Cytogenetic location: 2q37.3.
Variant type: single nucleotide variant.
Coding change: c.6293G>T on transcript NM_004369.4 (MANE Select); coding-DNA position 6293, G replaced by T.
Protein change: p.Gly2098Val; replaces glycine 2098 with valine.
Molecular consequence: missense variant.
Genome position (GRCh38, 1-based): chr2:237,359,378, C>A on the plus strand (G>T on the coding strand, the complement: COL6A3 is on the minus strand). VCF-style: chr2-237359378-C-A. GRCh37 (hg19) VCF-style: chr2-238268021-C-A.
Other names: c.4472G>T, p.Gly1491Val (NM_057166.5); c.5675G>T, p.Gly1892Val (NM_057167.4); short protein forms G2098V, G1892V, G1491V.
Identifiers: ClinVar variation 194849 (VCV000194849.9), dbSNP rs794727206, ClinGen allele CA275050.

ClinVar aggregate classification (germline): Conflicting classifications of pathogenicity. Review status: criteria provided, conflicting classifications (1 of 4 stars). 2 submissions from 2 submitters: Pathogenic (1); Uncertain significance (1). Last evaluated 2024-04-05.

Conditions:
Bethlem myopathy 1A. Also called: MYOPATHY, BENIGN CONGENITAL, WITH CONTRACTURES; Bethlem myopathy 1; Bethlem Muscular Dystrophy. Identifiers: Orphanet 610, MedGen CN029274, MONDO:0024530, OMIM 158810.

Submissions (2):

Labcorp Genetics (formerly Invitae), Labcorp
Classification: Uncertain significance for Bethlem myopathy 1A. Last evaluated: 2024-04-05. Review status: criteria provided, single submitter. Criteria: Invitae Variant Classification Sherloc (09022015). Collection method: clinical testing. Allele origin: germline.
Comment: This sequence change replaces glycine, which is neutral and non-polar, with valine, which is neutral and non-polar, at codon 2098 of the COL6A3 protein (p.Gly2098Val). This variant is not present in population databases (gnomAD no frequency). This missense change has been observed in individual(s) with Bethlem myopathy (PMID: 24038877). ClinVar contains an entry for this variant (Variation ID: 194849). Advanced modeling of protein sequence and biophysical properties (such as structural, functional, and spatial information, amino acid conservation, physicochemical variation, residue mobility, and thermodynamic stability) performed at Invitae indicates that this missense variant is expected to disrupt COL6A3 protein function with a positive predictive value of 80%. This variant disrupts the triple helix domain of COL6A3. Glycine residues within the Gly-Xaa-Yaa repeats of the triple helix domain are required for the structure and stability of fibrillar collagens (PMID: 7695699, 8218237, 19344236). In COL6A3, missense variants at these glycine residues are significantly enriched in individuals with autosomal dominant disease (PMID: 15689448, 24038877) compared to the general population (ExAC). In summary, the available evidence is currently insufficient to determine the role of this variant in disease. Therefore, it has been classified as a Variant of Uncertain Significance.

Eurofins Ntd Llc (ga)
Classification: Pathogenic. Last evaluated: 2014-09-18. Review status: criteria provided, single submitter. Criteria: EGL Classification Definitions 2015. Collection method: clinical testing. Allele origin: germline. Observed: 1 variant allele, 1 heterozygote.

Literature cited by the submitters: PubMed 24038877 (cited by Labcorp Genetics (formerly Invitae), Labcorp); PubMed 7695699 (cited by Labcorp Genetics (formerly Invitae), Labcorp); PubMed 8218237 (cited by Labcorp Genetics (formerly Invitae), Labcorp); PubMed 19344236 (cited by Labcorp Genetics (formerly Invitae), Labcorp); PubMed 15689448 (cited by Labcorp Genetics (formerly Invitae), Labcorp).